The following is an entry in ClinVar:

NM_032380.5(GFM2):c.1843A>G (p.Ile615Val)

Gene: GFM2 (GTP dependent ribosome recycling factor mitochondrial 2; minus strand). Cytogenetic location: 5q13.3.
Variant type: single nucleotide variant.
Coding change: c.1843A>G on transcript NM_032380.5 (MANE Select); coding-DNA position 1843, A replaced by G.
Protein change: p.Ile615Val; replaces isoleucine 615 with valine.
Molecular consequence: missense variant. On other transcripts: non-coding transcript variant (1).
Genome position (GRCh38, 1-based): chr5:74,726,010, T>C on the plus strand (A>G on the coding strand, the complement: GFM2 is on the minus strand). VCF-style: chr5-74726010-T-C. GRCh37 (hg19) VCF-style: chr5-74021835-T-C.
Other names: c.1939A>G, p.Ile647Val (NM_001281302.2); c.1702A>G, p.Ile568Val (NM_170691.3); short protein forms I568V, I615V, I647V.
Identifiers: ClinVar variation 2506628 (VCV002506628.1), dbSNP rs2478808878, ClinGen allele CA360076782.
Genomic context (GRCh38, chr5:74,726,010, plus strand): 5'-ATGCGCTGTGAATTCCATTTTCAATGGCCTCTTGGGAGACCTTCAAAAGGCCTTCATTGA[T>C]ACTTTCAGCATACTCAAACTCAATCACAGGCATAACAGATGATGTTTCAATTGGCCTTGC-3'
Protein context (NP_115756.2, residues 605-625): PVIEFEYAES[Ile615Val]NEGLLKVSQE

ClinVar aggregate classification (germline): Uncertain significance (1 of 4 stars; one submission).

Submission:

GeneDx
Classification: Uncertain significance. Last evaluated: 2022-12-20. Review status: criteria provided, single submitter. Criteria: GeneDx Variant Classification Process June 2021. Collection method: clinical testing. Allele origin: germline. Affected: yes.
Comment: Not observed at significant frequency in large population cohorts (gnomAD); In silico analysis supports that this missense variant does not alter protein structure/function; Has not been previously published as pathogenic or benign to our knowledge